The following is an entry in ClinVar:

NM_001323289.2(CDKL5):c.616G>T (p.Asp206Tyr)

Gene: CDKL5 (cyclin dependent kinase like 5; plus strand). Cytogenetic location: Xp22.13.
Variant type: single nucleotide variant.
Coding change: c.616G>T on transcript NM_001323289.2 (MANE Select); coding-DNA position 616, G replaced by T.
Protein change: p.Asp206Tyr; replaces aspartic acid 206 with tyrosine.
Molecular consequence: missense variant.
Genome position (GRCh38, 1-based): chrX:18,588,015, G>T. VCF-style: chrX-18588015-G-T. GRCh37 (hg19) VCF-style: chrX-18606135-G-T.
Other names: NM_001323289.2(CDKL5):c.616G>T; p.Asp206Tyr; c.616G>T, p.Asp206Tyr (NM_001037343.2, NM_003159.3); short protein forms D206Y.
Identifiers: ClinVar variation 495246 (VCV000495246.7), dbSNP rs1555950468, ClinGen allele CA412353277.

ClinVar aggregate classification (germline): Uncertain significance. Review status: reviewed by expert panel (3 of 4 stars). 4 submissions from 4 submitters: Uncertain significance (1). 3 of the submissions do not count toward it. Last evaluated 2026-01-28.

Conditions:
CDKL5 disorder. Identifiers: MedGen CN296942, MONDO:0100039.
Developmental and epileptic encephalopathy, 2 (DEE2). Also called: INFANTILE SPASM SYNDROME, X-LINKED 2; CDKL5 deficiency disorder. Identifiers: Orphanet 1934, Orphanet 3451, Orphanet 505652, MedGen C4750718, MONDO:0010396, OMIM 300672.
Angelman syndrome-like. Identifiers: MedGen CN128785.

Submissions (4):

ClinGen Rett and Angelman-like Disorders Variant Curation Expert Panel
Classification: Uncertain significance for CDKL5 disorder. Last evaluated: 2026-01-28. Review status: reviewed by expert panel. Criteria: ClinGen RettAS ACMG Specifications CDKL5 V5.0.0. Collection method: curation. Allele origin: germline. Inheritance: X-linked inheritance.
Comment: The p.Asp206Tyr variant has been observed in 4 individuals with CDKL5 disorder (PMIDs: 32718099, 31780880; Labcorp (formerly Invitae)- internal database) (PS4_moderate). The p.Asp206Tyr variant in CDKL5 has been reported as a de novo occurrence (biological parentage unconfirmed) in an individual with CDKL5 disorder (PMID: 31780880) (PM6). The p.Asp206Tyr variant in CDKL5 is absent from gnomAD v4.1 (PM2_Supporting). Computational prediction analysis tools are inconclusive for this variant. In summary, the p.Asp206Tyr variant in CDKL5 is classified as a variant of uncertain significance based on the ACMG/AMP criteria (PM6, PS4_Moderate, PM2_Supporting). (CDKL5 Specifications v.5.0; curation approved on 01/28/2026)

Victorian Clinical Genetics Services, Murdoch Childrens Research Institute
Classification: Pathogenic for Developmental and epileptic encephalopathy, 2. Last evaluated: 2024-11-28. Review status: criteria provided, single submitter. Criteria: ACMG Guidelines, 2015. Collection method: clinical testing. Allele origin: germline. Affected: yes. Not counted in ClinVar's aggregate classification.
Comment: This variant is classified as Pathogenic. Evidence in support of pathogenic classification: Variant is absent from gnomAD (v2, v3 and v4); This variant has moderate previous evidence of pathogenicity in unrelated individual(s). This variant has been classified as likely pathogenic and VUS by clinical laboratories in ClinVar, and reported in the literature in two individuals affected with seizures, epileptic encephalopathy and/or psychomotor delay (PMIDs: 32718099, 31780880); Another missense variant(s) comparable to the one identified in this case has moderate previous evidence for pathogenicity. p.(Asp206Asn) has been reported in multiple individuals affected with seizures and psychomotor delay (PMIDs: 37701975, 28780406, 32445745); Variant is located in the well-established functional protein kinase domain (DECIPHER, PMID: 35483386); Missense variant consistently predicted to be damaging by an in silico tool or highly conserved with a major amino acid change. Additional information: Variant is predicted to result in a missense amino acid change from aspartic acid to tyrosine; This variant is heterozygous; This gene is associated with X-linked dominant disease; No published functional evidence has been identified for this variant; Loss of function is a known mechanism of disease in this gene and is associated with developmental and epileptic encephalopathy 2 (MIM#300672); Variants in this gene are known to have variable expressivity. Variable expressivity is reported to be dependent on the variant type and position, X-chromosome inactivation in females or post-zygotic mosaicism in males (PMID: 33989939); Inheritance information for this variant is not currently available in this individual.

Labcorp Genetics (formerly Invitae), Labcorp
Classification: Uncertain significance for Developmental and epileptic encephalopathy, 2; Angelman syndrome-like. Last evaluated: 2023-04-06. Review status: criteria provided, single submitter. Criteria: Invitae Variant Classification Sherloc (09022015). Collection method: clinical testing. Allele origin: germline. Not counted in ClinVar's aggregate classification.
Comment: Advanced modeling of protein sequence and biophysical properties (such as structural, functional, and spatial information, amino acid conservation, physicochemical variation, residue mobility, and thermodynamic stability) has been performed at Invitae for this missense variant, however the output from this modeling did not meet the statistical confidence thresholds required to predict the impact of this variant on CDKL5 protein function. This sequence change replaces aspartic acid, which is acidic and polar, with tyrosine, which is neutral and polar, at codon 206 of the CDKL5 protein (p.Asp206Tyr). This variant is not present in population databases (gnomAD no frequency). This missense change has been observed in individual(s) with clinical features of CDKL5-related conditions (PMID: 31780880). ClinVar contains an entry for this variant (Variation ID: 495246). In summary, the available evidence is currently insufficient to determine the role of this variant in disease. Therefore, it has been classified as a Variant of Uncertain Significance.

NeuroMeGen, Hospital Clinico Santiago de Compostela
Classification: Likely pathogenic for Developmental and epileptic encephalopathy, 2. Last evaluated: 2018-01-01. Review status: criteria provided, single submitter. Criteria: ACMG Guidelines, 2015. Collection method: clinical testing. Allele origin: de novo. Affected: yes. Observed: 1 heterozygote. Not counted in ClinVar's aggregate classification.

Literature cited by the submitters: PubMed 32445745 (cited by Victorian Clinical Genetics Services, Murdoch Childrens Research Institute); PubMed 31780880 (cited by Victorian Clinical Genetics Services, Murdoch Childrens Research Institute and Labcorp Genetics (formerly Invitae), Labcorp); PubMed 35483386 (cited by Victorian Clinical Genetics Services, Murdoch Childrens Research Institute); PubMed 37701975 (cited by Victorian Clinical Genetics Services, Murdoch Childrens Research Institute); PubMed 33989939 (cited by Victorian Clinical Genetics Services, Murdoch Childrens Research Institute); PubMed 32718099 (cited by Victorian Clinical Genetics Services, Murdoch Childrens Research Institute); PubMed 28780406 (cited by Victorian Clinical Genetics Services, Murdoch Childrens Research Institute).